The following is an entry in ClinVar:

NM_000051.4(ATM):c.3747-7T>C

Gene: ATM (ATM serine/threonine kinase; plus strand). Cytogenetic location: 11q22.3.
Variant type: single nucleotide variant.
Coding change: c.3747-7T>C on transcript NM_000051.4 (MANE Select); 7 bases into the intron before coding-DNA position 3747, T replaced by C.
Molecular consequence: intron variant.
Genome position (GRCh38, 1-based): chr11:108,284,220, T>C. VCF-style: chr11-108284220-T-C. GRCh37 (hg19) VCF-style: chr11-108154947-T-C.
Other names: c.3747-7T>C (NM_001351834.2).
Identifiers: ClinVar variation 388515 (VCV000388515.9), dbSNP rs1057523136, ClinGen allele CA16605785.
Genomic context (GRCh38, chr11:108,284,220, plus strand): 5'-ACTATTTTATAAAATTTTACTTGGAAAAGTTATATATAACCTGTATTTTAAATTTTTCTA[T>C]TTTTAGATCTTGTTATAAGGTTTTGATTCCACATCTGGTGATTAGAAGTCATTTTGATGA-3'

ClinVar aggregate classification (germline): Likely benign. Review status: criteria provided, multiple submitters, no conflicts (2 of 4 stars). 3 submissions from 3 submitters: Likely benign (3). Last evaluated 2024-05-15.

Conditions:
Ataxia-telangiectasia syndrome (AT). Also called: AT, COMPLEMENTATION GROUP C; ATAXIA-TELANGIECTASIA, COMPLEMENTATION GROUP A; ATAXIA-TELANGIECTASIA, FRESNO VARIANT; LOUIS-BAR SYNDROME; Ataxia-telangiectasia; Cerebello-oculocutaneous telangiectasia. Identifiers: Orphanet 100, MedGen C0004135, MONDO:0008840, OMIM 208900.
Familial cancer of breast. Also called: BREAST CANCER, FAMILIAL; hereditary breast carcinoma; Hereditary breast cancer. Identifiers: Orphanet 227535, MedGen C0346153, MONDO:0016419, OMIM 114480. Disease mechanism: loss of function.

Submissions (3):

Myriad Genetics, Inc.
Classification: Likely benign for Familial cancer of breast. Last evaluated: 2024-05-15. Review status: criteria provided, single submitter. Criteria: Myriad Autosomal Dominant, Autosomal Recessive and X-Linked Classification Criteria (2023). Collection method: clinical testing. Allele origin: unknown.
Comment: This variant is considered likely benign. This variant is intronic and is not expected to impact mRNA splicing.

Labcorp Genetics (formerly Invitae), Labcorp
Classification: Likely benign for Ataxia-telangiectasia syndrome. Last evaluated: 2020-02-07. Review status: criteria provided, single submitter. Criteria: Invitae Variant Classification Sherloc (09022015). Collection method: clinical testing. Allele origin: germline.

GeneDx
Classification: Likely benign. Last evaluated: 2016-08-19. Review status: criteria provided, single submitter. Criteria: GeneDx Variant Classification (06012015). Collection method: clinical testing. Allele origin: germline. Affected: yes.
Comment: This variant is considered likely benign or benign based on one or more of the following criteria: it is a conservative change, it occurs at a poorly conserved position in the protein, it is predicted to be benign by multiple in silico algorithms, and/or has population frequency not consistent with disease.